The following is an entry in ClinVar:

ClinVar aggregate classification (germline): Uncertain significance. Review status: criteria provided, multiple submitters, no conflicts (2 of 4 stars). 3 submissions from 3 submitters: Uncertain significance (3). Last evaluated 2026-07-07.

Conditions:
Retinitis pigmentosa 20 (RP20). Identifiers: Orphanet 791, MedGen C3151086, MONDO:0013425, OMIM 613794.
Leber congenital amaurosis 2 (LCA2). Also called: AMAUROSIS CONGENITA OF LEBER II; Autosomal Recessive RPE65-Related Retinal Degeneration. Identifiers: Orphanet 65, MedGen C1859844, MONDO:0008765, OMIM 204100. Disease mechanism: loss of function.
Inborn genetic diseases. Identifiers: MedGen C0950123, MeSH D030342.

Allele frequency attached by ClinVar (database versions not stated): TOPMed 0.00006; ExAC 0.00007; gnomAD 0.00005; gnomAD exomes 0.00005; 1000 Genomes Project 0.00020; 1000 Genomes Project 30x 0.00031.
gnomAD v4.1: 77 of 1,613,924 alleles (0.0048%); highest among the groups gnomAD compares: Admixed American, 0.043%; no homozygotes.

Submissions (3):

Ambry Genetics
Classification: Uncertain significance for Inborn genetic diseases. Last evaluated: 2026-07-07. Review status: criteria provided, single submitter. Criteria: Ambry Variant Classification Scheme 2023. Collection method: clinical testing. Allele origin: germline.
Comment: The p.I220V variant (also known as c.658A>G), located in coding exon 7 of the RPE65 gene, results from an A to G substitution at nucleotide position 658. The isoleucine at codon 220 is replaced by valine, an amino acid with highly similar properties. This amino acid position is conserved. In addition, the in silico prediction for this alteration is inconclusive. Based on the available evidence, the clinical significance of this variant remains unclear.

Labcorp Genetics (formerly Invitae), Labcorp
Classification: Uncertain significance for Leber congenital amaurosis 2; Retinitis pigmentosa 20. Last evaluated: 2026-01-02. Review status: criteria provided, single submitter. Criteria: Invitae Variant Classification Sherloc (09022015). Collection method: clinical testing. Allele origin: germline.
Comment: This sequence change replaces isoleucine, which is neutral and non-polar, with valine, which is neutral and non-polar, at codon 220 of the RPE65 protein (p.Ile220Val). This variant is present in population databases (rs201009374, gnomAD 0.05%). This variant has not been reported in the literature in individuals affected with RPE65-related conditions. ClinVar contains an entry for this variant (Variation ID: 2038397). Invitae Evidence Modeling of protein sequence and biophysical properties (such as structural, functional, and spatial information, amino acid conservation, physicochemical variation, residue mobility, and thermodynamic stability) has been performed for this missense variant. However, the output from this modeling did not meet the statistical confidence thresholds required to predict the impact of this variant on RPE65 protein function. In summary, the available evidence is currently insufficient to determine the role of this variant in disease. Therefore, it has been classified as a Variant of Uncertain Significance.

Blueprint Genetics
Classification: Uncertain significance. Last evaluated: 2024-06-14. Review status: criteria provided, single submitter. Criteria: ACMG Guidelines, 2015. Collection method: clinical testing. Allele origin: germline.

NM_000329.3(RPE65):c.658A>G (p.Ile220Val)

Gene: RPE65 (retinoid isomerohydrolase RPE65; minus strand). Cytogenetic location: 1p31.3.
Variant type: single nucleotide variant.
Coding change: c.658A>G on transcript NM_000329.3 (MANE Select); coding-DNA position 658, A replaced by G.
Protein change: p.Ile220Val; replaces isoleucine 220 with valine.
Molecular consequence: missense variant.
Genome position (GRCh38, 1-based): chr1:68,439,628, T>C on the plus strand (A>G on the coding strand, the complement: RPE65 is on the minus strand). VCF-style: chr1-68439628-T-C. GRCh37 (hg19) VCF-style: chr1-68905311-T-C.
Other names: c.550A>G, p.Ile184Val (NM_001406853.1); c.382A>G, p.Ile128Val (NM_001406856.1, NM_001406857.1); c.658A>G, p.Ile220Val (NM_001406859.1); short protein forms I184V, I128V, I220V.
Identifiers: ClinVar variation 2038397 (VCV002038397.6), dbSNP rs201009374, ClinGen allele CA902430.